The following is an entry in ClinVar:

NM_002161.6(IARS1):c.2500G>A (p.Val834Met)

Gene: IARS1 (isoleucyl-tRNA synthetase 1; minus strand). Cytogenetic location: 9q22.31.
Variant type: single nucleotide variant.
Coding change: c.2500G>A on transcript NM_002161.6 (MANE Select); coding-DNA position 2500, G replaced by A.
Protein change: p.Val834Met; replaces valine 834 with methionine.
Molecular consequence: missense variant. On other transcripts: non-coding transcript variant (1).
Genome position (GRCh38, 1-based): chr9:92,250,219, C>T on the plus strand (G>A on the coding strand, the complement: IARS1 is on the minus strand). VCF-style: chr9-92250219-C-T. GRCh37 (hg19) VCF-style: chr9-95012501-C-T.
Other names: c.2425G>A, p.Val809Met (NM_001374299.1, NM_001374300.1, NM_001378584.1); c.2500G>A (NM_002161.5); c.2416G>A, p.Val806Met (NM_001374301.1); c.2563G>A, p.Val855Met (NM_001378569.1); c.2521G>A, p.Val841Met (NM_001378571.1); c.2500G>A, p.Val834Met (NM_001378572.1, NM_001378573.1, NM_001378574.1 and 9 more transcripts); c.2404G>A, p.Val802Met (NM_001378582.1); c.2377G>A, p.Val793Met (NM_001378583.1); short protein forms V802M, V806M, V834M, V809M, V841M, V855M, V793M.
Identifiers: ClinVar variation 2048488 (VCV002048488.4), dbSNP rs147625263, ClinGen allele CA5122191.

ClinVar aggregate classification (germline): Uncertain significance. Review status: criteria provided, multiple submitters, no conflicts (2 of 4 stars). 3 submissions from 3 submitters: Uncertain significance (3). Last evaluated 2025-07-28.

Conditions:
IARS1-related disorder. Also called: IARS1-related condition.

Allele frequency attached by ClinVar (database versions not stated): gnomAD exomes 0.00004; ExAC 0.00011; TOPMed 0.00042; gnomAD 0.00044; 1000 Genomes Project 30x 0.00047; ESP Exome Variant Server 0.00054; 1000 Genomes Project 0.00060.
gnomAD v4.1: 130 of 1,612,752 alleles (0.0081%); highest among the groups gnomAD compares: African/African-American, 0.13%; no homozygotes.

Submissions (3):

GeneDx
Classification: Uncertain significance. Last evaluated: 2025-07-28. Review status: criteria provided, single submitter. Criteria: GeneDx Variant Classification Process June 2021. Collection method: clinical testing. Allele origin: germline.
Comment: In silico analysis supports that this missense variant has a deleterious effect on protein structure/function; Identified in a patient with intellectual disability and growth failure who harbored other variant(s) that may explain the features (PMID: 40672495); This variant is associated with the following publications: (PMID: 40672495)

PreventionGenetics, part of Exact Sciences
Classification: Uncertain significance for IARS1-related condition. Last evaluated: 2022-09-16. Review status: criteria provided, single submitter. Criteria: ACMG Guidelines, 2015. Collection method: clinical testing. Allele origin: germline.
Comment: The IARS1 c.2500G>A variant is predicted to result in the amino acid substitution p.Val834Met. To our knowledge, this variant has not been reported in the literature. This variant is reported in 0.16% of alleles in individuals of African descent in gnomAD. At this time, the clinical significance of this variant is uncertain due to the absence of conclusive functional and genetic evidence.

Labcorp Genetics (formerly Invitae), Labcorp
Classification: Uncertain significance. Last evaluated: 2022-05-29. Review status: criteria provided, single submitter. Criteria: Invitae Variant Classification Sherloc (09022015). Collection method: clinical testing. Allele origin: germline.
Comment: This sequence change replaces valine, which is neutral and non-polar, with methionine, which is neutral and non-polar, at codon 834 of the IARS protein (p.Val834Met). This variant is present in population databases (rs147625263, gnomAD 0.2%). This variant has not been reported in the literature in individuals affected with IARS-related conditions. Algorithms developed to predict the effect of missense changes on protein structure and function are either unavailable or do not agree on the potential impact of this missense change (SIFT: "Tolerated"; PolyPhen-2: "Probably Damaging"; Align-GVGD: "Class C0"). In summary, the available evidence is currently insufficient to determine the role of this variant in disease. Therefore, it has been classified as a Variant of Uncertain Significance.